The following is an entry in ClinVar:

ClinVar aggregate classification (germline): Uncertain significance (0 of 4 stars; one submission).

Conditions:
ATP1A2-related disorder. Also called: ATP1A2-related condition; ATP1A2-RELATED DISORDERS.

Submission:

PreventionGenetics, part of Exact Sciences
Classification: Uncertain significance for ATP1A2-related condition. Last evaluated: 2024-07-03. Review status: no assertion criteria provided. Collection method: clinical testing. Allele origin: germline.
Comment: The ATP1A2 c.1147C>A variant is predicted to result in the amino acid substitution p.Arg383Ser. To our knowledge, this variant has not been reported in the literature or in a large population database, indicating this variant is rare. At this time, the clinical significance of this variant is uncertain due to the absence of conclusive functional and genetic evidence.

NM_000702.4(ATP1A2):c.1147C>A (p.Arg383Ser)

Gene: ATP1A2 (ATPase Na+/K+ transporting subunit alpha 2; plus strand). Cytogenetic location: 1q23.2.
Variant type: single nucleotide variant.
Coding change: c.1147C>A on transcript NM_000702.4 (MANE Select); coding-DNA position 1147, C replaced by A.
Protein change: p.Arg383Ser; replaces arginine 383 with serine.
Molecular consequence: missense variant.
Genome position (GRCh38, 1-based): chr1:160,128,781, C>A. VCF-style: chr1-160128781-C-A. GRCh37 (hg19) VCF-style: chr1-160098571-C-A.
Other names: short protein forms R383S.
Identifiers: ClinVar variation 3344718 (VCV003344718.1).